The following is an entry in ClinVar:

ClinVar aggregate classification (germline): Conflicting classifications of pathogenicity. Review status: criteria provided, conflicting classifications (1 of 4 stars). 7 submissions from 5 submitters: Uncertain significance (6); Likely benign (1). Last evaluated 2026-01-07.

Conditions:
Hereditary cancer-predisposing syndrome. Also called: Neoplastic Syndromes, Hereditary; Hereditary Cancer Syndrome; Hereditary neoplastic syndrome; Tumor predisposition. Identifiers: Orphanet 140162, MedGen C0027672, MeSH D009386, MONDO:0015356.
Mastocytosis. Also called: Mast Cell Disease. Identifiers: Orphanet 98292, MedGen C0024899, MONDO:0007950, HP:0100495.
Gastrointestinal stromal tumor. Also called: Gastrointestinal stroma tumor; Gastrointestinal stromal tumor, somatic. Identifiers: Orphanet 44890, MedGen C0238198, MeSH D046152, MONDO:0011719, OMIM 606764, HP:0100723.
Piebaldism. Also called: Piebald skin depigmentation. Identifiers: Orphanet 2884, MedGen C0080024, MONDO:0008244, OMIM 172800, HP:0007544.

Allele frequency attached by ClinVar (database versions not stated): TOPMed below 0.00001; gnomAD exomes 0.00001 and 0.00007; ExAC 0.00002; gnomAD 0.00002.

Submissions (7):

Labcorp Genetics (formerly Invitae), Labcorp
Classification: Uncertain significance for Gastrointestinal stromal tumor. Last evaluated: 2026-01-07. Review status: criteria provided, single submitter. Criteria: Invitae Variant Classification Sherloc (09022015). Collection method: clinical testing. Allele origin: germline.
Comment: This sequence change replaces valine, which is neutral and non-polar, with leucine, which is neutral and non-polar, at codon 540 of the KIT protein (p.Val540Leu). This variant is present in population databases (rs756179543, gnomAD 0.01%). This variant has not been reported in the literature in individuals affected with KIT-related conditions. ClinVar contains an entry for this variant (Variation ID: 409741). An algorithm developed to predict the effect of missense changes on protein structure and function outputs the following: PolyPhen-2: "Benign". The leucine amino acid residue is found in multiple mammalian species, which suggests that this missense change does not adversely affect protein function. Experimental studies have shown that this missense change affects KIT function (PMID: 20890793). In summary, the available evidence is currently insufficient to determine the role of this variant in disease. Therefore, it has been classified as a Variant of Uncertain Significance.

Ambry Genetics
Classification: Likely benign for Hereditary cancer-predisposing syndrome. Last evaluated: 2025-01-21. Review status: criteria provided, single submitter. Criteria: Ambry Variant Classification Scheme 2023. Collection method: clinical testing. Allele origin: germline.

Baylor Genetics
Classification: Uncertain significance for Gastrointestinal stromal tumor. Last evaluated: 2024-02-16. Review status: criteria provided, single submitter. Criteria: ACMG Guidelines, 2015. Collection method: clinical testing. Allele origin: unknown.

GeneDx
Classification: Uncertain significance. Last evaluated: 2023-10-18. Review status: criteria provided, single submitter. Criteria: GeneDx Variant Classification Process June 2021. Collection method: clinical testing. Allele origin: germline. Affected: yes.
Comment: Not observed at significant frequency in large population cohorts (gnomAD); In silico analysis supports that this missense variant does not alter protein structure/function; Observed in pediatric patients with acute myeloid leukemia or cutaneous mastocytosis (Tokumasu et al., 2015; Arase et al., 2020); Published functional studies demonstrate that p.(V540L) has transforming activity (Tsujimura et al., 2010); This variant is associated with the following publications: (PMID: 25975190, 32077120, 20890793, 17525721)

Illumina Laboratory Services, Illumina
Classification: Uncertain significance for Gastrointestinal stromal tumor. Last evaluated: 2017-08-23. Review status: criteria provided, single submitter. Criteria: ICSL Variant Classification Criteria 13 December 2019. Collection method: clinical testing. Allele origin: germline.
Comment: This variant was observed as part of a predisposition screen in an ostensibly healthy population. A literature search was performed for the gene, cDNA change, and amino acid change (where applicable). Publications were found based on this search. However, the evidence from the literature, in combination with allele frequency data from public databases where available, was not sufficient to rule this variant in or out of causing disease. Therefore, this variant is classified as a variant of unknown significance.

Illumina Laboratory Services, Illumina
Classification: Uncertain significance for Piebaldism. Last evaluated: 2017-08-23. Review status: criteria provided, single submitter. Criteria: ICSL Variant Classification Criteria 13 December 2019. Collection method: clinical testing. Allele origin: germline.
Comment: the same text as in the submission from Illumina Laboratory Services, Illumina above.

Illumina Laboratory Services, Illumina
Classification: Uncertain significance for Cutaneous mastocytosis. Last evaluated: 2017-08-23. Review status: criteria provided, single submitter. Criteria: ICSL Variant Classification Criteria 13 December 2019. Collection method: clinical testing. Allele origin: germline.
Comment: the same text as in the submission from Illumina Laboratory Services, Illumina above.

Literature cited by the submitters: PubMed 20890793 (cited by Labcorp Genetics (formerly Invitae), Labcorp and Illumina Laboratory Services, Illumina); PubMed 17525721 (cited by Illumina Laboratory Services, Illumina); PubMed 25975190 (cited by Illumina Laboratory Services, Illumina).

NM_000222.3(KIT):c.1618G>C (p.Val540Leu)

Gene: KIT (KIT proto-oncogene, receptor tyrosine kinase; plus strand). Cytogenetic location: 4q12.
Variant type: single nucleotide variant.
Coding change: c.1618G>C on transcript NM_000222.3 (MANE Select); coding-DNA position 1618, G replaced by C.
Protein change: p.Val540Leu; replaces valine 540 with leucine.
Molecular consequence: missense variant.
Genome position (GRCh38, 1-based): chr4:54,727,295, G>C. VCF-style: chr4-54727295-G-C. GRCh37 (hg19) VCF-style: chr4-55593461-G-C.
Other names: c.1606G>C, p.Val536Leu (NM_001093772.2, NM_001385286.1); c.1621G>C, p.Val541Leu (NM_001385284.1, NM_001385290.1); c.1618G>C, p.Val540Leu (NM_001385285.1); c.1609G>C, p.Val537Leu (NM_001385288.1, NM_001385292.1); short protein forms V540L, V536L, V537L, V541L.
Identifiers: ClinVar variation 409741 (VCV000409741.17), dbSNP rs756179543, ClinGen allele CA2923536.